The following is an entry in ClinVar:

NM_020699.4(GATAD2B):c.426G>A (p.Met142Ile)

Gene: GATAD2B (GATA zinc finger domain containing 2B; minus strand). Cytogenetic location: 1q21.3.
Variant type: single nucleotide variant.
Coding change: c.426G>A on transcript NM_020699.4 (MANE Select); coding-DNA position 426, G replaced by A.
Protein change: p.Met142Ile; replaces methionine 142 with isoleucine.
Molecular consequence: missense variant.
Genome position (GRCh38, 1-based): chr1:153,819,645, C>T on the plus strand (G>A on the coding strand, the complement: GATAD2B is on the minus strand). VCF-style: chr1-153819645-C-T. GRCh37 (hg19) VCF-style: chr1-153792121-C-T.
Other names: short protein forms M142I.
Identifiers: ClinVar variation 2701573 (VCV002701573.3), dbSNP rs2525261350, ClinGen allele CA342535137.

ClinVar aggregate classification (germline): Uncertain significance (1 of 4 stars; one submission).

Submission:

Labcorp Genetics (formerly Invitae), Labcorp
Classification: Uncertain significance. Last evaluated: 2023-12-10. Review status: criteria provided, single submitter. Criteria: Invitae Variant Classification Sherloc (09022015). Collection method: clinical testing. Allele origin: germline.
Comment: This sequence change replaces methionine, which is neutral and non-polar, with isoleucine, which is neutral and non-polar, at codon 142 of the GATAD2B protein (p.Met142Ile). This variant is not present in population databases (gnomAD no frequency). This variant has not been reported in the literature in individuals affected with GATAD2B-related conditions. An algorithm developed to predict the effect of missense changes on protein structure and function (PolyPhen-2) suggests that this variant is likely to be tolerated. In summary, the available evidence is currently insufficient to determine the role of this variant in disease. Therefore, it has been classified as a Variant of Uncertain Significance.